The following is an entry in ClinVar:

ClinVar aggregate classification (germline): Uncertain significance (1 of 4 stars; one submission).

Conditions:
Familial hypobetalipoproteinemia 1. Also called: Hypobetalipoproteinemia, normotriglyceridemic; Acanthocytosis with hypobetalipoproteinemia; APOB-Related Familial Hypobetalipoproteinemia. Identifiers: MedGen C4551990, MONDO:0014252, OMIM 615558.
Hypercholesterolemia, autosomal dominant, type B (FHCL2). Also called: Familial hypercholesterolemia 2; Familial Hypercholesterolemia Type B; APOLIPOPROTEIN B-100, FAMILIAL DEFECTIVE; APOLIPOPROTEIN B-100, FAMILIAL LIGAND-DEFECTIVE; HYPERCHOLESTEROLEMIA, FAMILIAL, DUE TO LIGAND-DEFECTIVE APOLIPOPROTEIN B; Hyperlipoproteinemia Type IIb. Identifiers: MedGen C1704417, MONDO:0007751, OMIM 144010.

Allele frequency attached by ClinVar (database versions not stated): gnomAD exomes below 0.00001.
gnomAD v4.1: 1 of 1,614,032 alleles (0.000062%); highest among the groups gnomAD compares: Non-Finnish European, 0.000085%; no homozygotes.

Submission:

Labcorp Genetics (formerly Invitae), Labcorp
Classification: Uncertain significance for Familial hypobetalipoproteinemia 1; Hypercholesterolemia, autosomal dominant, type B. Last evaluated: 2021-12-11. Review status: criteria provided, single submitter. Criteria: Invitae Variant Classification Sherloc (09022015). Collection method: clinical testing. Allele origin: germline.
Comment: This sequence change replaces threonine, which is neutral and polar, with alanine, which is neutral and non-polar, at codon 479 of the APOB protein (p.Thr479Ala). This variant is not present in population databases (gnomAD no frequency). This variant has not been reported in the literature in individuals affected with APOB-related conditions. Algorithms developed to predict the effect of missense changes on protein structure and function output the following: SIFT: "Tolerated"; PolyPhen-2: "Benign"; Align-GVGD: "Class C0". The alanine amino acid residue is found in multiple mammalian species, which suggests that this missense change does not adversely affect protein function. In summary, the available evidence is currently insufficient to determine the role of this variant in disease. Therefore, it has been classified as a Variant of Uncertain Significance.

NM_000384.3(APOB):c.1435A>G (p.Thr479Ala)

Gene: APOB (apolipoprotein B; minus strand). Cytogenetic location: 2p24.1.
Variant type: single nucleotide variant.
Coding change: c.1435A>G on transcript NM_000384.3 (MANE Select); coding-DNA position 1435, A replaced by G.
Protein change: p.Thr479Ala; replaces threonine 479 with alanine.
Molecular consequence: missense variant.
Genome position (GRCh38, 1-based): chr2:21,029,933, T>C on the plus strand (A>G on the coding strand, the complement: APOB is on the minus strand). VCF-style: chr2-21029933-T-C. GRCh37 (hg19) VCF-style: chr2-21252805-T-C.
Other names: short protein forms T479A.
Identifiers: ClinVar variation 2040081 (VCV002040081.4), dbSNP rs1663834407, ClinGen allele CA346015280.
Genomic context (GRCh38, chr2:21,029,933, plus strand): 5'-ATGTCATATAAAAGACTGAGATTACCCGCAGAATCAAATAGGTGTAATCTTCATCCCCAG[T>C]GCAGTCATCTTGAATCTGTTCCATCAGGTAATTAGCAATGTCCAGCAGCTCCTGGGTCCC-3'
Protein context (NP_000375.3, residues 469-489): YLMEQIQDDC[Thr479Ala]GDEDYTYLIL